The following is an entry in ClinVar:

NC_000001.11:g.(?_241505997)_(241506174_?)del

Gene: FH (fumarate hydratase; minus strand). Cytogenetic location: 1q43.
Variant type: Deletion.
Identifiers: ClinVar variation 460334 (VCV000460334.1).

ClinVar aggregate classification (germline): Pathogenic (1 of 4 stars; one submission).

Conditions:
Fumarase deficiency (FMRD). Also called: Fumaric aciduria; Fumarate Hydratase Deficiency. Identifiers: Orphanet 24, MedGen C0342770, MONDO:0011730, OMIM 606812.

Submission:

Labcorp Genetics (formerly Invitae), Labcorp
Classification: Pathogenic for Fumarase deficiency. Last evaluated: 2018-04-06. Review status: criteria provided, single submitter. Criteria: Invitae Variant Classification Sherloc (09022015). Collection method: clinical testing. Allele origin: germline.
Comment: This variant is an out-of-frame deletion of the genomic region encompassing exon 6 of the FH gene. This is expected to create a premature translational stop signal and result in an absent or disrupted protein product. This particular deletion has been reported in the literature in an individual affected with leiomyomatosis and renal cell cancer (PMID: 22382802). Loss-of-function variants in FH are known to be pathogenic (PMID: 11865300, 21398687). For these reasons, this variant has been classified as Pathogenic.

Literature cited by the submitters: PubMed 22382802.